The following is an entry in ClinVar:

ClinVar aggregate classification (germline): Uncertain significance (1 of 4 stars; one submission).

Conditions:
Gorlin syndrome. Also called: Nevoid Basal Cell Carcinoma Syndrome; Basal cell nevus syndrome. Identifiers: Orphanet 377, MedGen C0004779, MONDO:0007187.

gnomAD v4.1: 1 of 1,614,150 alleles (0.000062%); highest among the groups gnomAD compares: Non-Finnish European, 0.000085%; no homozygotes.

Submission:

Labcorp Genetics (formerly Invitae), Labcorp
Classification: Uncertain significance for Gorlin syndrome. Last evaluated: 2021-09-07. Review status: criteria provided, single submitter. Criteria: Invitae Variant Classification Sherloc (09022015). Collection method: clinical testing. Allele origin: germline.
Comment: This sequence change replaces cysteine with arginine at codon 606 of the PTCH2 protein (p.Cys606Arg). The cysteine residue is moderately conserved and there is a large physicochemical difference between cysteine and arginine. This variant is not present in population databases (ExAC no frequency). This variant has not been reported in the literature in individuals affected with PTCH2-related conditions. Algorithms developed to predict the effect of missense changes on protein structure and function (SIFT, PolyPhen-2, Align-GVGD) all suggest that this variant is likely to be tolerated. In summary, the available evidence is currently insufficient to determine the role of this variant in disease. Therefore, it has been classified as a Variant of Uncertain Significance.

NM_003738.5(PTCH2):c.1816T>C (p.Cys606Arg)

Gene: PTCH2 (patched 2; minus strand). Cytogenetic location: 1p34.1.
Variant type: single nucleotide variant.
Coding change: c.1816T>C on transcript NM_003738.5 (MANE Select); coding-DNA position 1816, T replaced by C.
Protein change: p.Cys606Arg; replaces cysteine 606 with arginine.
Molecular consequence: missense variant.
Genome position (GRCh38, 1-based): chr1:44,828,085, A>G on the plus strand (T>C on the coding strand, the complement: PTCH2 is on the minus strand). VCF-style: chr1-44828085-A-G. GRCh37 (hg19) VCF-style: chr1-45293757-A-G.
Other names: c.1816T>C, p.Cys606Arg (NM_001166292.2); short protein forms C606R.
Identifiers: ClinVar variation 1408367 (VCV001408367.6), dbSNP rs2148875968, ClinGen allele CA340099169.